The following is an entry in ClinVar:

ClinVar aggregate classification (germline): Conflicting classifications of pathogenicity. Review status: criteria provided, conflicting classifications (1 of 4 stars). 10 submissions from 10 submitters: Uncertain significance (2); Benign (1); Likely benign (6). 1 of the submissions does not count toward it. Last evaluated 2025-12-29.

Conditions:
BAG3-related disorder. Also called: BAG3-related condition.
Cardiovascular phenotype. Identifiers: MedGen CN230736.
Myofibrillar myopathy 6. Identifiers: Orphanet 199340, MedGen C2751831, MONDO:0013061, OMIM 612954.
Dilated cardiomyopathy 1HH (CMD1HH). Identifiers: Orphanet 154, MedGen C3151293, MONDO:0013479, OMIM 613881.

Allele frequency attached by ClinVar (database versions not stated): gnomAD exomes 0.00014; ExAC 0.00015; 1000 Genomes Project 0.00020; gnomAD 0.00035 and 0.00038; TOPMed 0.00037; ESP Exome Variant Server 0.00046; 1000 Genomes Project 30x 0.00047.
gnomAD v4.1: 137 of 1,614,048 alleles (0.0085%); highest among the groups gnomAD compares: African/African-American, 0.11%; 1 homozygote.

Submissions (10):

Labcorp Genetics (formerly Invitae), Labcorp
Classification: Likely benign for Dilated cardiomyopathy 1HH; Myofibrillar myopathy 6. Last evaluated: 2025-12-29. Review status: criteria provided, single submitter. Criteria: Invitae Variant Classification Sherloc (09022015). Collection method: clinical testing. Allele origin: germline.

Molecular Diagnostic Laboratory for Inherited Cardiovascular Disease, Montreal Heart Institute
Classification: Likely benign. Last evaluated: 2025-04-09. Review status: criteria provided, single submitter. Criteria: ACMG Guidelines, 2015. Collection method: clinical testing. Allele origin: germline. Affected: no.
Comment: BS1;BP6

Blueprint Genetics
Classification: Likely benign. Last evaluated: 2024-11-21. Review status: criteria provided, single submitter. Criteria: ACMG Guidelines, 2015. Collection method: clinical testing. Allele origin: germline.

Women's Health and Genetics/Laboratory Corporation of America, LabCorp
Classification: Likely benign. Last evaluated: 2024-01-08. Review status: criteria provided, single submitter. Criteria: LabCorp Variant Classification Summary - May 2015. Collection method: clinical testing. Allele origin: germline.

Revvity Omics, Revvity
Classification: Uncertain significance. Last evaluated: 2022-12-09. Review status: criteria provided, single submitter. Criteria: ACMG Guidelines, 2015. Collection method: clinical testing. Allele origin: germline.

Ambry Genetics
Classification: Likely benign for Cardiovascular phenotype. Last evaluated: 2021-10-12. Review status: criteria provided, single submitter. Criteria: Ambry Variant Classification Scheme 2023. Collection method: clinical testing. Allele origin: germline.

GeneDx
Classification: Benign. Last evaluated: 2020-03-19. Review status: criteria provided, single submitter. Criteria: GeneDx Variant Classification Process June 2021. Collection method: clinical testing. Allele origin: germline. Affected: yes.
Comment: This variant is associated with the following publications: (PMID: 23861362)

Laboratory for Molecular Medicine, Mass General Brigham Personalized Medicine
Classification: Uncertain significance. Last evaluated: 2015-10-28. Review status: criteria provided, single submitter. Criteria: LMM Criteria. Collection method: clinical testing. Allele origin: germline. Observed: 3 variant alleles.
Comment: This variant has been identified in 0.1% (13/10264) of African chro mosomes by the Exome Aggregation Consortium (ExAC, g; dbSNP rs143919208). Computational prediction tools and conservation analysis suggest that the p.Ser274Leu variant may not impact the protein, though this inf ormation is not predictive enough to rule out pathogenicity. In summary, the cli nical significance of the p.Ser274Leu variant is uncertain.

Biesecker Lab/Clinical Genomics Section, National Institutes of Health
Classification: Likely benign. Last evaluated: 2013-06-24. Review status: criteria provided, single submitter. Criteria: Ng et al. (Circ Cardiovasc Genet. 2013). Collection method: research. Allele origin: unknown. Observed: 1 variant allele. Study: ClinSeq.
Comment: The study set was not selected for affection status in relation to any cancer. Pathogenicity categories were based on literature curation. See Pubmed ID:23861362 for details.

Medical sequencing

PreventionGenetics, part of Exact Sciences
Classification: Likely benign for BAG3-related condition. Last evaluated: 2023-06-27. Review status: no assertion criteria provided. Collection method: clinical testing. Allele origin: germline. Not counted in ClinVar's aggregate classification.
Comment: This variant is classified as likely benign based on ACMG/AMP sequence variant interpretation guidelines (Richards et al. 2015 PMID: 25741868, with internal and published modifications).

Literature cited by the submitters: PubMed 23861362 (cited by Ambry Genetics).

NM_004281.4(BAG3):c.821C>T (p.Ser274Leu)

Gene: BAG3 (BAG cochaperone 3; plus strand). Cytogenetic location: 10q26.11.
Variant type: single nucleotide variant.
Coding change: c.821C>T on transcript NM_004281.4 (MANE Select); coding-DNA position 821, C replaced by T.
Protein change: p.Ser274Leu; replaces serine 274 with leucine.
Molecular consequence: missense variant.
Genome position (GRCh38, 1-based): chr10:119,672,568, C>T. VCF-style: chr10-119672568-C-T. GRCh37 (hg19) VCF-style: chr10-121432080-C-T.
Other names: short protein forms S274L.
Identifiers: ClinVar variation 44790 (VCV000044790.26), dbSNP rs143919208, ClinGen allele CA135034.